The following is an entry in ClinVar:

ClinVar aggregate classification (germline): Uncertain significance (1 of 4 stars; one submission).

Conditions:
Inborn genetic diseases. Identifiers: MedGen C0950123, MeSH D030342.

Submission:

Ambry Genetics
Classification: Uncertain significance for Inborn genetic diseases. Last evaluated: 2025-07-15. Review status: criteria provided, single submitter. Criteria: Ambry Variant Classification Scheme 2023. Collection method: clinical testing. Allele origin: germline.
Comment: The p.T21K variant (also known as c.62C>A), located in coding exon 1 of the KDM1A gene, results from a C to A substitution at nucleotide position 62. The threonine at codon 21 is replaced by lysine, an amino acid with similar properties. This amino acid position is conserved. In addition, this alteration is predicted to be tolerated by in silico analysis. Based on the available evidence, the clinical significance of this variant remains unclear.

NM_001009999.3(KDM1A):c.62C>A (p.Thr21Lys)

Gene: KDM1A (lysine demethylase 1A; plus strand). Cytogenetic location: 1p36.12.
Variant type: single nucleotide variant.
Coding change: c.62C>A on transcript NM_001009999.3 (MANE Select); coding-DNA position 62, C replaced by A.
Protein change: p.Thr21Lys; replaces threonine 21 with lysine.
Molecular consequence: missense variant.
Genome position (GRCh38, 1-based): chr1:23,019,658, C>A. VCF-style: chr1-23019658-C-A. GRCh37 (hg19) VCF-style: chr1-23346151-C-A.
Other names: c.62C>A, p.Thr21Lys (NM_001363654.2, NM_001410762.1, NM_001410763.1 and 1 more transcripts); short protein forms T21K.
Identifiers: ClinVar variation 4091065 (VCV004091065.1).
Genomic context (GRCh38, chr1:23,019,658, plus strand): 5'-TGTTATCTGGGAAGAAGGCGGCAGCCGCGGCGGCGGCGGCTGCAGCGGCAGCAACCGGGA[C>A]GGAGGCTGGCCCTGGGACAGCAGGCGGCTCCGAGAACGGGTCTGAGGTGGCCGCGCAGCC-3'
Protein context (NP_001009999.1, residues 11-31): AAAAAAAATG[Thr21Lys]EAGPGTAGGS